The following is an entry in ClinVar:

ClinVar aggregate classification (germline): Uncertain significance (1 of 4 stars; one submission).

Conditions:
Low phospholipid associated cholelithiasis (GBD1). Also called: Gallbladder disease 1; Gallstone cholecystitis. Identifiers: Orphanet 69663, MedGen C2609268, MONDO:0010939, OMIM 600803.

Submission:

Genomenon, Inc
Classification: Uncertain significance for Low phospholipid associated cholelithiasis. Last evaluated: 2026-04-14. Review status: criteria provided, single submitter. Criteria: Genomenon Sequence Variant Interpretation Standards - Updated. Collection method: curation. Allele origin: germline. Affected: yes.
Comment: ABCB4 c.1005+5G>A is an intronic variant located in the donor splice region of intron 9. This variant has been observed in at least one proband with an ABCB4-related disorder (PMID:23533021). It is absent or not present at a significant frequency in gnomAD. In silico models predict that this variant is possibly or probably damaging. In conclusion, we classify ABCB4 c.1005+5G>A as a variant of uncertain significance.

Literature cited by the submitters: PubMed 23533021.

NM_000443.4(ABCB4):c.1005+5G>A

Gene: ABCB4 (ATP binding cassette subfamily B member 4; minus strand). Cytogenetic location: 7q21.12.
Variant type: single nucleotide variant.
Coding change: c.1005+5G>A on transcript NM_000443.4 (MANE Select); 5 bases into the intron after coding-DNA position 1005, G replaced by A.
Molecular consequence: intron variant.
Genome position (GRCh38, 1-based): chr7:87,447,029, C>T on the plus strand (G>A on the coding strand, the complement: ABCB4 is on the minus strand). VCF-style: chr7-87447029-C-T. GRCh37 (hg19) VCF-style: chr7-87076345-C-T.
Other names: c.1005+5G>A (NM_018850.3, NM_018849.3).
Identifiers: ClinVar variation 4846329 (VCV004846329.1).